The following is an entry in ClinVar:

ClinVar aggregate classification (germline): Uncertain significance. Review status: criteria provided, multiple submitters, no conflicts (2 of 4 stars). 4 submissions from 4 submitters: Uncertain significance (4). Last evaluated 2025-03-15.

Conditions:
Inborn genetic diseases. Identifiers: MedGen C0950123, MeSH D030342.

Allele frequency attached by ClinVar (database versions not stated): gnomAD 0.00004; TOPMed 0.00006.

Submissions (4):

Ambry Genetics
Classification: Uncertain significance for Inborn genetic diseases. Last evaluated: 2025-03-15. Review status: criteria provided, single submitter. Criteria: Ambry Variant Classification Scheme 2023. Collection method: clinical testing. Allele origin: germline.

Dasa
Classification: Uncertain significance. Last evaluated: 2025-02-26. Review status: criteria provided, single submitter. Criteria: DASA Assertion Criteria. Collection method: clinical testing. Allele origin: germline.
Comment: NM_178857.6(RP1L1):c.512G>A (p.Ser171Asn) is a missense variant that results in the substitution of serine with asparagine. This variant is rare in population databases. Computational prediction algorithms are consistent with a benign effect. The currently available literature and clinical evidence are not sufficient to establish a definitive association between this variant and the reported condition. Therefore, this variant is classified as a variant of uncertain significance.

Labcorp Genetics (formerly Invitae), Labcorp
Classification: Uncertain significance. Last evaluated: 2024-10-16. Review status: criteria provided, single submitter. Criteria: Invitae Variant Classification Sherloc (09022015). Collection method: clinical testing. Allele origin: germline.
Comment: This sequence change replaces serine, which is neutral and polar, with asparagine, which is neutral and polar, at codon 171 of the RP1L1 protein (p.Ser171Asn). This variant is present in population databases (no rsID available, gnomAD 0.004%). This variant has not been reported in the literature in individuals affected with RP1L1-related conditions. ClinVar contains an entry for this variant (Variation ID: 1987532). Invitae Evidence Modeling of protein sequence and biophysical properties (such as structural, functional, and spatial information, amino acid conservation, physicochemical variation, residue mobility, and thermodynamic stability) indicates that this missense variant is not expected to disrupt RP1L1 protein function with a negative predictive value of 80%. In summary, the available evidence is currently insufficient to determine the role of this variant in disease. Therefore, it has been classified as a Variant of Uncertain Significance.

Blueprint Genetics
Classification: Uncertain significance. Last evaluated: 2024-03-09. Review status: criteria provided, single submitter. Criteria: ACMG Guidelines, 2015. Collection method: clinical testing. Allele origin: germline.

NM_178857.6(RP1L1):c.512G>A (p.Ser171Asn)

Gene: RP1L1 (RP1 like 1). Cytogenetic location: 8p23.1.
Variant type: single nucleotide variant.
Coding change: c.512G>A on transcript NM_178857.6 (MANE Select); coding-DNA position 512, G replaced by A.
Protein change: p.Ser171Asn; replaces serine 171 with asparagine.
Molecular consequence: missense variant.
Genome position (GRCh38, 1-based): chr8:10,622,690, C>T on the plus strand (G>A on the coding strand, the complement: RP1L1 is on the minus strand). VCF-style: chr8-10622690-C-T. GRCh37 (hg19) VCF-style: chr8-10480200-C-T.
Other names: short protein forms S171N.
Identifiers: ClinVar variation 1987532 (VCV001987532.9), dbSNP rs1027434884, ClinGen allele CA171954641.
Genomic context (GRCh38, chr8:10,622,690, plus strand): 5'-AAGCGCAGGAGATCTGAGGCTTTGCCGAGAAAGGCGGCCAGGTTCCTAGTATTCCTGTGA[C>T]TGAGAACCACTGTCTGCTGGAGGCGAGGGTCCATGTTCTTAATCAGCAGTATCCTCCGGG-3'
Protein context (NP_849188.4, residues 161-181): DPRLQQTVVL[Ser171Asn]HRNTRNLAAF